The following is an entry in ClinVar:

NM_001394998.1(TANC2):c.3868G>C (p.Val1290Leu)

Genes: TANC2 (tetratricopeptide repeat, ankyrin repeat and coiled-coil containing 2; plus strand), LOC105371856 (uncharacterized LOC105371856; minus strand). Cytogenetic location: 17q23.3.
Variant type: single nucleotide variant.
Coding change: c.3868G>C on transcript NM_001394998.1 (MANE Select); coding-DNA position 3868, G replaced by C.
Protein change: p.Val1290Leu; replaces valine 1290 with leucine.
Molecular consequence: missense variant.
Genome position (GRCh38, 1-based): chr17:63,412,100, G>C. VCF-style: chr17-63412100-G-C. GRCh37 (hg19) VCF-style: chr17-61489461-G-C.
Other names: c.3646G>C, p.Val1216Leu (NM_001411076.1, NM_025185.4); short protein forms V1216L, V1290L.
Identifiers: ClinVar variation 2648060 (VCV002648060.24), dbSNP rs749866687, ClinGen allele CA8698108.

ClinVar aggregate classification (germline): Uncertain significance (1 of 4 stars; one submission).

Allele frequency attached by ClinVar (database versions not stated): gnomAD exomes below 0.00001; ExAC 0.00001.
gnomAD v4.1: 2 of 1,613,996 alleles (0.00012%); highest among the groups gnomAD compares: Non-Finnish European, 0.00017%; no homozygotes.

Submission:

CeGaT Center for Human Genetics Tuebingen
Classification: Uncertain significance. Last evaluated: 2022-11-01. Review status: criteria provided, single submitter. Criteria: CeGaT Center For Human Genetics Tuebingen Variant Classification Criteria Version 2. Collection method: clinical testing. Allele origin: germline. Affected: yes. Observed: 1 variant allele.
Comment: TANC2: PM2